The following is an entry in ClinVar:

NM_005204.4(MAP3K8):c.784A>C (p.Met262Leu)

Gene: MAP3K8 (mitogen-activated protein kinase kinase kinase 8; plus strand). Cytogenetic location: 10p11.23.
Variant type: single nucleotide variant.
Coding change: c.784A>C on transcript NM_005204.4 (MANE Select); coding-DNA position 784, A replaced by C.
Protein change: p.Met262Leu; replaces methionine 262 with leucine.
Molecular consequence: missense variant.
Genome position (GRCh38, 1-based): chr10:30,451,655, A>C. VCF-style: chr10-30451655-A-C. GRCh37 (hg19) VCF-style: chr10-30740584-A-C.
Other names: c.784A>C, p.Met262Leu (NM_001244134.1, NM_001320961.2); short protein forms M262L.
Identifiers: ClinVar variation 3030563 (VCV003030563.2), dbSNP rs2538563723, ClinGen allele CA376438326.

ClinVar aggregate classification (germline): Uncertain significance (0 of 4 stars; one submission).

Conditions:
MAP3K8-related disorder. Also called: MAP3K8-related condition.

Submission:

PreventionGenetics, part of Exact Sciences
Classification: Uncertain significance for MAP3K8-related condition. Last evaluated: 2023-12-08. Review status: no assertion criteria provided. Collection method: clinical testing. Allele origin: germline.
Comment: The MAP3K8 c.784A>C variant is predicted to result in the amino acid substitution p.Met262Leu. To our knowledge, this variant has not been reported in the literature or in a large population database, indicating this variant is rare. At this time, the clinical significance of this variant is uncertain due to the absence of conclusive functional and genetic evidence.